The following is an entry in ClinVar:

ClinVar aggregate classification (germline): Uncertain significance (1 of 4 stars; one submission).

Conditions:
Developmental delay, impaired speech, and behavioral abnormalities. Identifiers: MedGen C5561957, MONDO:0859178, OMIM 619475.

Submission:

Dasa
Classification: Uncertain significance for developmental delay, impaired speech, and behavioral abnormalities. Last evaluated: 2026-01-05. Review status: criteria provided, single submitter. Criteria: DASA Assertion Criteria. Collection method: clinical testing. Allele origin: germline.
Comment: NM_003128.3(SPTBN1):c.3124G>T (p.Asp1042Tyr) is a missense variant that results in the substitution of aspartic acid with tyrosine. This variant is absent from population databases. The currently available literature and clinical evidence are not sufficient to establish a definitive association between this variant and the reported condition. Therefore, this variant is classified as a variant of uncertain significance.

NM_003128.3(SPTBN1):c.3124G>T (p.Asp1042Tyr)

Gene: SPTBN1 (spectrin beta, non-erythrocytic 1; plus strand). Cytogenetic location: 2p16.2.
Variant type: single nucleotide variant.
Coding change: c.3124G>T on transcript NM_003128.3 (MANE Select); coding-DNA position 3124, G replaced by T.
Protein change: p.Asp1042Tyr; replaces aspartic acid 1042 with tyrosine.
Molecular consequence: missense variant.
Genome position (GRCh38, 1-based): chr2:54,631,171, G>T. VCF-style: chr2-54631171-G-T. GRCh37 (hg19) VCF-style: chr2-54858308-G-T.
Other names: c.3085G>T, p.Asp1029Tyr (NM_178313.3); short protein forms D1029Y, D1042Y.
Identifiers: ClinVar variation 4881841 (VCV004881841.2).
Genomic context (GRCh38, chr2:54,631,171, plus strand): 5'-CTGGAGTCCGAGCACCCCGACCAGGCCCAGGCCATCCTGTCTCGGCTGGCCGAGATCAGC[G>T]ACGTGTGGGAGGAGATGAAGACCACCCTGAAAAACCGAGAGGCCTCCCTGGGAGAGGCCA-3'
Protein context (NP_003119.2, residues 1032-1052): AILSRLAEIS[Asp1042Tyr]VWEEMKTTLK